The following is an entry in ClinVar:

NM_001032283.3(TMPO):c.565+1063G>T

Gene: TMPO (thymopoietin; plus strand). Cytogenetic location: 12q23.1.
Variant type: single nucleotide variant.
Coding change: c.565+1063G>T on transcript NM_001032283.3 (MANE Select); 1063 bases into the intron after coding-DNA position 565, G replaced by T.
Molecular consequence: intron variant. On other transcripts: missense variant (1).
Genome position (GRCh38, 1-based): chr12:98,532,901, G>T. VCF-style: chr12-98532901-G-T. GRCh37 (hg19) VCF-style: chr12-98926679-G-T.
Other names: c.644G>T, p.Gly215Val (NM_003276.2); c.565+1063G>T (NM_001307975.2, NM_001032284.3); short protein forms G215V.
Identifiers: ClinVar variation 1753600 (VCV001753600.2), dbSNP rs749111363, ClinGen allele CA386151509.

ClinVar aggregate classification (germline): Uncertain significance (1 of 4 stars; one submission).

Submission:

Ambry Genetics
Classification: Uncertain significance. Last evaluated: 2021-08-10. Review status: criteria provided, single submitter. Criteria: Ambry Variant Classification Scheme 2023. Collection method: clinical testing. Allele origin: germline.
Comment: The p.G215V variant (also known as c.644G>T), located in coding exon 4 of the TMPO gene, results from a G to T substitution at nucleotide position 644. The glycine at codon 215 is replaced by valine, an amino acid with dissimilar properties. This amino acid position is conserved. In addition, this alteration is predicted to be tolerated by in silico analysis. Since supporting evidence is limited at this time, the clinical significance of this alteration remains unclear.